The following is an entry in ClinVar:

NM_004360.5(CDH1):c.110A>T (p.Tyr37Phe)

Gene: CDH1 (cadherin 1; plus strand). Cytogenetic location: 16q22.1.
Variant type: single nucleotide variant.
Coding change: c.110A>T on transcript NM_004360.5 (MANE Select); coding-DNA position 110, A replaced by T.
Protein change: p.Tyr37Phe; replaces tyrosine 37 with phenylalanine.
Molecular consequence: missense variant. On other transcripts: 5 prime UTR variant (2).
Genome position (GRCh38, 1-based): chr16:68,738,358, A>T. VCF-style: chr16-68738358-A-T. GRCh37 (hg19) VCF-style: chr16-68772261-A-T.
Other names: c.110A>T, p.Tyr37Phe (NM_001317184.2); c.-1506A>T (NM_001317185.2); c.-1710A>T (NM_001317186.2); short protein forms Y37F.
Identifiers: ClinVar variation 1794683 (VCV001794683.2), dbSNP rs2152114415, ClinGen allele CA396452053.
Genomic context (GRCh38, chr16:68,738,358, plus strand): 5'-TCTCCTCTTGGCTCTGCCAGGAGCCGGAGCCCTGCCACCCTGGCTTTGACGCCGAGAGCT[A>T]CACGTTCACGGTGCCCCGGCGCCACCTGGAGAGAGGCCGCGTCCTGGGCAGAGGTGAGGG-3'
Protein context (NP_004351.1, residues 27-47): PCHPGFDAES[Tyr37Phe]TFTVPRRHLE

ClinVar aggregate classification (germline): Uncertain significance (1 of 4 stars; one submission).

Conditions:
Hereditary cancer-predisposing syndrome. Also called: Tumor predisposition; Hereditary Cancer Syndrome; Neoplastic Syndromes, Hereditary; Hereditary neoplastic syndrome. Identifiers: Orphanet 140162, MedGen C0027672, MeSH D009386, MONDO:0015356.

Submission:

Ambry Genetics
Classification: Uncertain significance for Hereditary cancer-predisposing syndrome. Last evaluated: 2021-07-08. Review status: criteria provided, single submitter. Criteria: Ambry Variant Classification Scheme 2023. Collection method: clinical testing. Allele origin: germline.
Comment: The p.Y37F variant (also known as c.110A>T), located in coding exon 2 of the CDH1 gene, results from an A to T substitution at nucleotide position 110. The tyrosine at codon 37 is replaced by phenylalanine, an amino acid with highly similar properties. This amino acid position is highly conserved in available vertebrate species. In addition, this alteration is predicted to be tolerated by in silico analysis. Since supporting evidence is limited at this time, the clinical significance of this alteration remains unclear.